The following is an entry in ClinVar:

ClinVar aggregate classification (germline): Pathogenic. Review status: criteria provided, multiple submitters, no conflicts (2 of 4 stars). 9 submissions from 9 submitters: Pathogenic (8). 1 of the submissions does not count toward it. Last evaluated 2025-12-15.

Conditions:
Inborn genetic diseases. Identifiers: MedGen C0950123, MeSH D030342.
Propionic acidemia (PROP). Also called: KETOTIC HYPERGLYCINEMIA; GLYCINEMIA, KETOTIC; HYPERGLYCINEMIA WITH KETOACIDOSIS AND LEUKOPENIA. Identifiers: Orphanet 35, MedGen C0268579, MONDO:0011628, OMIM 606054, HP:0003571.

Allele frequency attached by ClinVar (database versions not stated): ExAC 0.00001; TOPMed 0.00001; 1000 Genomes Project 0.00020; 1000 Genomes Project 30x 0.00031.
gnomAD v4.1: 22 of 1,614,156 alleles (0.0014%); highest among the groups gnomAD compares: East Asian, 0.0022%; no homozygotes.

Submissions (9):

Natera, Inc.
Classification: Pathogenic for Propionic acidemia. Last evaluated: 2025-12-15. Review status: criteria provided, single submitter. Criteria: Natera Variant Classification Schema (03/2026). Collection method: clinical testing. Allele origin: germline.
Comment: The c.1534C>T variant in PCCB is a missense variant predicted to cause substitution of arginine to cysteine at amino acid 512. This variant is rare in the general population with a frequency below the threshold expected for the associated phenotype(s). This variant has been observed in one or more individuals affected with the associated recessive disease, as either homozygous or compound heterozygous with a second variant (PMID: 24863100). Given the available evidence, this variant is classified as Pathogenic.

Labcorp Genetics (formerly Invitae), Labcorp
Classification: Pathogenic for Propionic acidemia. Last evaluated: 2024-05-04. Review status: criteria provided, single submitter. Criteria: Invitae Variant Classification Sherloc (09022015). Collection method: clinical testing. Allele origin: germline.
Comment: This sequence change replaces arginine, which is basic and polar, with cysteine, which is neutral and slightly polar, at codon 512 of the PCCB protein (p.Arg512Cys). This variant is present in population databases (rs186710233, gnomAD 0.0009%). This missense change has been observed in individuals with propionic acidemia (PMID: 9683601, 15059621, 22033733, 23053474, 24863100). It has also been observed to segregate with disease in related individuals. ClinVar contains an entry for this variant (Variation ID: 38879). Advanced modeling of protein sequence and biophysical properties (such as structural, functional, and spatial information, amino acid conservation, physicochemical variation, residue mobility, and thermodynamic stability) performed at Invitae indicates that this missense variant is expected to disrupt PCCB protein function with a positive predictive value of 95%. Experimental studies have shown that this missense change affects PCCB function (PMID: 11136555, 11749052, 12757933). For these reasons, this variant has been classified as Pathogenic.

Fulgent Genetics
Classification: Pathogenic for Propionic acidemia. Last evaluated: 2024-01-05. Review status: criteria provided, single submitter. Criteria: ACMG Guidelines, 2015. Collection method: clinical testing. Allele origin: germline.

Baylor Genetics
Classification: Pathogenic for Propionic acidemia. Last evaluated: 2023-08-28. Review status: criteria provided, single submitter. Criteria: ACMG Guidelines, 2015. Collection method: clinical testing. Allele origin: unknown.

Greenwood Genetic Center Diagnostic Laboratories, Greenwood Genetic Center
Classification: Pathogenic for Propionic acidemia. Last evaluated: 2023-02-28. Review status: criteria provided, single submitter. Criteria: ACMG Guidelines, 2015. Collection method: clinical testing. Allele origin: germline. Affected: yes.
Comment: PS3, PM2, PM3_Strong, PP3

Ambry Genetics
Classification: Pathogenic for Inborn genetic diseases. Last evaluated: 2022-07-31. Review status: criteria provided, single submitter. Criteria: Ambry Variant Classification Scheme 2023. Collection method: clinical testing. Allele origin: germline.
Comment: The c.1534C>T (p.R512C) alteration is located in exon 15 (coding exon 15) of the PCCB gene. This alteration results from a C to T substitution at nucleotide position 1534, causing the arginine (R) at amino acid position 512 to be replaced by a cysteine (C). Based on data from gnomAD, the T allele has an overall frequency of 0.001% (2/251254) total alleles studied. The highest observed frequency was 0.005% (1/18384) of East Asian alleles. This alteration has been detected in the homozygous state, or in conjunction with another disease-causing PCCB variant, in multiple individuals diagnosed with propionic acidemia (Chiu, 2014; Stanescu, 2021; Yang, 2004; Kraus, 2012; Rodr&iacute;guez-Pombo, 1998). Another alteration at the same codon, c.1535G>A (p.R512H), has been described in individuals diagnosed with propionic acidemia (Rivera-Barahona, 2018; Chen, 2021). This amino acid position is highly conserved in available vertebrate species. This alteration is predicted to be deleterious by in silico analysis. Based on the available evidence, this alteration is classified as pathogenic.

Women's Health and Genetics/Laboratory Corporation of America, LabCorp
Classification: Pathogenic for Propionic acidemia. Last evaluated: 2021-03-31. Review status: criteria provided, single submitter. Criteria: LabCorp Variant Classification Summary - May 2015. Collection method: clinical testing. Allele origin: germline.
Comment: Variant summary: PCCB c.1534C>T (p.Arg512Cys) results in a non-conservative amino acid change located in the Acetyl-coenzyme A carboxyltransferase, C-terminal domain (IPR011763) of the encoded protein sequence. Five of five in-silico tools predict a damaging effect of the variant on protein function. The variant allele was found at a frequency of 8e-06 in 251254 control chromosomes. c.1534C>T has been reported in the literature in multiple individuals affected with Propionic Acidemia (example, Chloupkova_2000, Yang_2004, Kraus_2012, Chiu_2014). These data indicate that the variant is very likely to be associated with disease. Several publications report experimental evidence evaluating an impact on protein function. The most pronounced variant effect results in <10% of normal enzyme specific activity (example, Chloupkova_2000, Perez-Cedra_2003). Three clinical diagnostic laboratories have submitted clinical-significance assessments for this variant to ClinVar after 2014 without evidence for independent evaluation. All laboratories classified the variant as pathogenic. At-least one submitters cites overlapping evidence utilized in the context of this evaluation. Based on the evidence outlined above, the variant was classified as pathogenic.

CeGaT Center for Human Genetics Tuebingen
Classification: Pathogenic. Last evaluated: 2018-08-01. Review status: criteria provided, single submitter. Criteria: CeGaT Center For Human Genetics Tuebingen Variant Classification Criteria Version 2. Collection method: clinical testing. Allele origin: germline. Affected: yes. Observed: 1 variant allele.

GeneReviews
No classification provided. Condition: Propionic acidemia. Review status: no classification provided. Collection method: literature only. Allele origin: unknown. Not counted in ClinVar's aggregate classification.

Literature cited by the submitters: PubMed 24863100 (cited by 4 submitters); PubMed 9683601 (cited by Labcorp Genetics (formerly Invitae), Labcorp and Ambry Genetics); PubMed 15059621 (cited by 3 submitters); PubMed 22033733 (cited by 3 submitters); PubMed 23053474 (cited by Labcorp Genetics (formerly Invitae), Labcorp and Women's Health and Genetics/Laboratory Corporation of America, LabCorp); PubMed 11136555 (cited by Labcorp Genetics (formerly Invitae), Labcorp and Women's Health and Genetics/Laboratory Corporation of America, LabCorp); PubMed 11749052 (cited by Labcorp Genetics (formerly Invitae), Labcorp); PubMed 12757933 (cited by Labcorp Genetics (formerly Invitae), Labcorp and Women's Health and Genetics/Laboratory Corporation of America, LabCorp); PubMed 30274917 (cited by Ambry Genetics); PubMed 33473339 (cited by Ambry Genetics); PubMed 33725819 (cited by Ambry Genetics); PubMed 22593918 (cited by GeneReviews); NCBI Bookshelf NBK92946 (cited by GeneReviews).

NM_000532.5(PCCB):c.1534C>T (p.Arg512Cys)

Gene: PCCB (propionyl-CoA carboxylase subunit beta; plus strand). Cytogenetic location: 3q22.3.
Variant type: single nucleotide variant.
Coding change: c.1534C>T on transcript NM_000532.5 (MANE Select); coding-DNA position 1534, C replaced by T.
Protein change: p.Arg512Cys; replaces arginine 512 with cysteine.
Molecular consequence: missense variant.
Genome position (GRCh38, 1-based): chr3:136,329,940, C>T. VCF-style: chr3-136329940-C-T. GRCh37 (hg19) VCF-style: chr3-136048782-C-T.
Other names: c.1594C>T, p.Arg532Cys (NM_001178014.2); short protein forms R512C, R532C.
Identifiers: ClinVar variation 38879 (VCV000038879.59), dbSNP rs186710233, ClinGen allele CA343140.